The following is an entry in ClinVar:

ClinVar aggregate classification (germline): Likely benign (1 of 4 stars; one submission).

Conditions:
Leigh syndrome (NULS). Also called: Leigh's necrotizing encephalopathy; Leigh's disease; Leigh Syndrome (mtDNA deletion); Leigh Disease; Subacute necrotizing encephalopathy; Necrotizing encephalopathy infantile subacute of Leigh. Identifiers: Orphanet 506, MedGen C2931891, MONDO:0009723, OMIM 256000.

Submission:

Wong Mito Lab, Molecular and Human Genetics, Baylor College of Medicine
Classification: Likely benign for Leigh syndrome. Last evaluated: 2019-10-17. Review status: criteria provided, single submitter. Criteria: Modified ACMG Guidelines (Unpublished). Collection method: clinical testing. Allele origin: germline.
Comment: The NC_012920.1:m.8520A>G (YP_003024030.1:p.Glu52Gly) variant in MTATP8 gene is interpretated to be a Likely Benign variant based on the modified ACMG guidelines (unpublished). This variant meets the following evidence codes: BS1, BP6

NC_012920.1(MT-ATP8):m.8520A>G

Gene: MT-ATP8 (mitochondrially encoded ATP synthase 8; plus strand).
Variant type: single nucleotide variant.
Genome position: chrM-8520-A-G.
Identifiers: ClinVar variation 692885 (VCV000692885.1), dbSNP rs1603221561, ClinGen allele CA414796478.